The following is an entry in ClinVar:

NM_004525.3(LRP2):c.7545T>C (p.Asp2515=)

Gene: LRP2 (LDL receptor related protein 2; minus strand). Cytogenetic location: 2q31.1.
Variant type: single nucleotide variant.
Coding change: c.7545T>C on transcript NM_004525.3 (MANE Select); coding-DNA position 7545, T replaced by C.
Protein change: p.Asp2515=; no amino-acid change (aspartic acid 2515 retained).
Molecular consequence: synonymous variant.
Genome position (GRCh38, 1-based): chr2:169,206,034, A>G on the plus strand (T>C on the coding strand, the complement: LRP2 is on the minus strand). VCF-style: chr2-169206034-A-G. GRCh37 (hg19) VCF-style: chr2-170062544-A-G.
Identifiers: ClinVar variation 2877251 (VCV002877251.23), dbSNP rs766781237, ClinGen allele CA429933623.

ClinVar aggregate classification (germline): Likely benign. Review status: criteria provided, multiple submitters, no conflicts (2 of 4 stars). 2 submissions from 2 submitters: Likely benign (2). Last evaluated 2024-04-01.

Allele frequency attached by ClinVar (database versions not stated): TOPMed 0.00001.
gnomAD v4.1: 9 of 1,614,248 alleles (0.00056%); highest among the groups gnomAD compares: Non-Finnish European, 0.00068%; no homozygotes.

Submissions (2):

CeGaT Center for Human Genetics Tuebingen
Classification: Likely benign. Last evaluated: 2024-04-01. Review status: criteria provided, single submitter. Criteria: CeGaT Center For Human Genetics Tuebingen Variant Classification Criteria Version 2. Collection method: clinical testing. Allele origin: germline. Affected: yes. Observed: 1 variant allele.
Comment: LRP2: PM2:Supporting, BP4, BP7

Labcorp Genetics (formerly Invitae), Labcorp
Classification: Likely benign. Last evaluated: 2023-11-02. Review status: criteria provided, single submitter. Criteria: Invitae Variant Classification Sherloc (09022015). Collection method: clinical testing. Allele origin: germline.